The following is an entry in ClinVar:

ClinVar aggregate classification (germline): Likely benign (1 of 4 stars; one submission).

Conditions:
Aneurysm-osteoarthritis syndrome. Also called: LOEYS-DIETZ SYNDROME WITH OSTEOARTHRITIS; SMAD3-Related Loeys-Dietz Syndrome; ANEURYSMS-OSTEOARTHRITIS SYNDROME; Loeys-Dietz syndrome, type 1C. Identifiers: Orphanet 284984, MedGen C3151087, MONDO:0013426, OMIM 613795.

Submission:

All of Us Research Program, National Institutes of Health
Classification: Likely benign for Aneurysm-osteoarthritis syndrome. Last evaluated: 2024-07-20. Review status: criteria provided, single submitter. Criteria: ACMG Guidelines, 2015. Collection method: clinical testing. Allele origin: germline. Inheritance: Autosomal dominant inheritance. Observed: 1 variant allele, 1 heterozygote.
Comment: This study involves interpretation of variants in research participants for the purpose of population health screening. Participant phenotype was not available at the time of variant classification. Additional details can be found in publication PMID: 35346344, PMCID: PMC8962531

NM_005902.4(SMAD3):c.533-8A>T

Gene: SMAD3 (SMAD family member 3; plus strand). Cytogenetic location: 15q22.33.
Variant type: single nucleotide variant.
Coding change: c.533-8A>T on transcript NM_005902.4 (MANE Select); 8 bases into the intron before coding-DNA position 533, A replaced by T.
Molecular consequence: intron variant.
Genome position (GRCh38, 1-based): chr15:67,166,771, A>T. VCF-style: chr15-67166771-A-T. GRCh37 (hg19) VCF-style: chr15-67459109-A-T.
Other names: c.533-8A>T (NM_001407011.1, NM_001407013.1); c.401-8A>T (NM_001407012.1, NM_001145103.2); c.386-8A>T (NM_001407014.1); c.218-8A>T (NM_001145102.2, NM_001407016.1); c.86-8A>T (NM_001407015.1); c.-53-8A>T (NM_001145104.2, NM_001407017.1).
Identifiers: ClinVar variation 3386013 (VCV003386013.1).